The following is an entry in ClinVar:

NM_000702.4(ATP1A2):c.412G>T (p.Val138Phe)

Gene: ATP1A2 (ATPase Na+/K+ transporting subunit alpha 2; plus strand). Cytogenetic location: 1q23.2.
Variant type: single nucleotide variant.
Coding change: c.412G>T on transcript NM_000702.4 (MANE Select); coding-DNA position 412, G replaced by T.
Protein change: p.Val138Phe; replaces valine 138 with phenylalanine.
Molecular consequence: missense variant.
Genome position (GRCh38, 1-based): chr1:160,123,973, G>T. VCF-style: chr1-160123973-G-T. GRCh37 (hg19) VCF-style: chr1-160093763-G-T.
Other names: short protein forms V138F.
Identifiers: ClinVar variation 2835538 (VCV002835538.3), dbSNP rs1558003802, ClinGen allele CA343232395.

ClinVar aggregate classification (germline): Uncertain significance (1 of 4 stars; one submission).

Conditions:
Familial hemiplegic migraine. Identifiers: MedGen C0338484, MONDO:0000700.

Submission:

Labcorp Genetics (formerly Invitae), Labcorp
Classification: Uncertain significance for Familial hemiplegic migraine. Last evaluated: 2023-02-08. Review status: criteria provided, single submitter. Criteria: Invitae Variant Classification Sherloc (09022015). Collection method: clinical testing. Allele origin: germline.
Comment: In summary, the available evidence is currently insufficient to determine the role of this variant in disease. Therefore, it has been classified as a Variant of Uncertain Significance. Advanced modeling of protein sequence and biophysical properties (such as structural, functional, and spatial information, amino acid conservation, physicochemical variation, residue mobility, and thermodynamic stability) performed at Invitae indicates that this missense variant is expected to disrupt ATP1A2 protein function. This variant has not been reported in the literature in individuals affected with ATP1A2-related conditions. This variant is not present in population databases (gnomAD no frequency). This sequence change replaces valine, which is neutral and non-polar, with phenylalanine, which is neutral and non-polar, at codon 138 of the ATP1A2 protein (p.Val138Phe).